The following is an entry in ClinVar:

NM_000520.6(HEXA):c.987G>C (p.Trp329Cys)

Gene: HEXA (hexosaminidase subunit alpha; minus strand). Cytogenetic location: 15q23.
Variant type: single nucleotide variant.
Coding change: c.987G>C on transcript NM_000520.6 (MANE Select); coding-DNA position 987, G replaced by C.
Protein change: p.Trp329Cys; replaces tryptophan 329 with cysteine.
Molecular consequence: missense variant. On other transcripts: non-coding transcript variant (1).
Genome position (GRCh38, 1-based): chr15:72,348,134, C>G on the plus strand (G>C on the coding strand, the complement: HEXA is on the minus strand). VCF-style: chr15-72348134-C-G. GRCh37 (hg19) VCF-style: chr15-72640475-C-G.
Other names: c.1020G>C, p.Trp340Cys (NM_001318825.2); short protein forms W329C, W340C.
Identifiers: ClinVar variation 4293778 (VCV004293778.1).
Genomic context (GRCh38, chr15:72,348,134, plus strand): 5'-CTTGAAGTCCTCACCGAAGCCTTTCTTCCTCATAAAGTCCTGGATCTCTGGGTTGGACTT[C>G]CTGAATCCCAAGAGAAAATGAAGATTAATCTTTCAACATCCTGAAAGCCTAATGCCTGGG-3'
Protein context (NP_000511.2, residues 319-339): LGGDEVDFTC[Trp329Cys]KSNPEIQDFM

ClinVar aggregate classification (germline): Uncertain significance (1 of 4 stars; one submission).

Conditions:
Tay-Sachs disease (TSD). Also called: GM2 gangliosidosis, type 1; Hexosaminidase alpha-subunit deficiency (variant B); Sphingolipidosis, Tay-Sachs; HEXA Disorders; Hexosaminidase A Deficiency; HEXA DEFICIENCY. Identifiers: Orphanet 845, MedGen C0039373, MONDO:0010100, OMIM 272800.

Submission:

3billion
Classification: Uncertain significance for Tay-Sachs disease. Last evaluated: 2024-06-27. Review status: criteria provided, single submitter. Criteria: ACMG Guidelines, 2015. Collection method: clinical testing. Allele origin: germline. Affected: yes.
Comment: The variant is not observed in the gnomAD v4.0.0 dataset. Predicted Consequence/Location: Missense variant In silico tool predictions suggest damaging effect of the variant on gene or gene product [REVEL: 0.93 (>=0.6, sensitivity 0.68 and specificity 0.92); 3Cnet: 1.00 (>=0.6, sensitivity 0.72 and precision 0.9)]. Therefore, this variant is classified as VUS according to the recommendation of ACMG/AMP guideline.